The following is an entry in ClinVar:

NM_001110556.2(FLNA):c.53G>A (p.Gly18Asp)

Gene: FLNA (filamin A; minus strand). Cytogenetic location: Xq28.
Variant type: single nucleotide variant.
Coding change: c.53G>A on transcript NM_001110556.2 (MANE Select); coding-DNA position 53, G replaced by A.
Protein change: p.Gly18Asp; replaces glycine 18 with aspartic acid.
Molecular consequence: missense variant.
Genome position (GRCh38, 1-based): chrX:154,371,193, C>T on the plus strand (G>A on the coding strand, the complement: FLNA is on the minus strand). VCF-style: chrX-154371193-C-T. GRCh37 (hg19) VCF-style: chrX-153599561-C-T.
Other names: c.53G>A, p.Gly18Asp (NM_001456.4); short protein forms G18D.
Identifiers: ClinVar variation 2102668 (VCV002102668.4), dbSNP rs2043950991, ClinGen allele CA415255782.

ClinVar aggregate classification (germline): Uncertain significance (1 of 4 stars; one submission).

Conditions:
Melnick-Needles syndrome (MNS). Also called: MELNICK-NEEDLES OSTEODYSPLASTY; OSTEODYSPLASTY OF MELNICK AND NEEDLES; Melnick-Needles Syndrome (FLNA-MNS). Identifiers: Orphanet 2484, MedGen C0025237, MONDO:0010650, OMIM 309350.
Heterotopia, periventricular, X-linked dominant (PVNH1). Also called: PERIVENTRICULAR NODULAR HETEROTOPIA 1; X-linked periventricular heterotopia; PERIVENTRICULAR NODULAR HETEROTOPIA 4; HETEROTOPIA, PERIVENTRICULAR, 1. Identifiers: Orphanet 2149, Orphanet 82004, MedGen C1848213, MONDO:0010233, OMIM 300049.
Frontometaphyseal dysplasia (FMD1). Identifiers: Orphanet 1826, MedGen C0265293, MONDO:0015942.
Oto-palato-digital syndrome, type II (OPD2). Also called: FACIOPALATOOSSEOUS SYNDROME; OPD II SYNDROME; Otopalatodigital Syndrome Type 2 (FLNA-OPD2); Otopalatodigital Syndrome, Type II. Identifiers: Orphanet 669, Orphanet 90652, MedGen C1844696, MONDO:0010571, OMIM 304120.

Submission:

Labcorp Genetics (formerly Invitae), Labcorp
Classification: Uncertain significance for Oto-palato-digital syndrome, type II; Heterotopia, periventricular, X-linked dominant; Frontometaphyseal dysplasia; Melnick-Needles syndrome. Last evaluated: 2025-08-24. Review status: criteria provided, single submitter. Criteria: Invitae Variant Classification Sherloc (09022015). Collection method: clinical testing. Allele origin: germline.
Comment: This sequence change replaces glycine, which is neutral and non-polar, with aspartic acid, which is acidic and polar, at codon 18 of the FLNA protein (p.Gly18Asp). This variant is not present in population databases (gnomAD no frequency). This variant has not been reported in the literature in individuals affected with FLNA-related conditions. ClinVar contains an entry for this variant (Variation ID: 2102668). Invitae Evidence Modeling of protein sequence and biophysical properties (such as structural, functional, and spatial information, amino acid conservation, physicochemical variation, residue mobility, and thermodynamic stability) indicates that this missense variant is not expected to disrupt FLNA protein function with a negative predictive value of 95%. In summary, the available evidence is currently insufficient to determine the role of this variant in disease. Therefore, it has been classified as a Variant of Uncertain Significance.